The following is an entry in ClinVar:

NM_052874.5(STX1B):c.575A>G (p.Asn192Ser)

Gene: STX1B (syntaxin 1B; minus strand). Cytogenetic location: 16p11.2.
Variant type: single nucleotide variant.
Coding change: c.575A>G on transcript NM_052874.5 (MANE Select); coding-DNA position 575, A replaced by G.
Protein change: p.Asn192Ser; replaces asparagine 192 with serine.
Molecular consequence: missense variant.
Genome position (GRCh38, 1-based): chr16:30,993,447, T>C on the plus strand (A>G on the coding strand, the complement: STX1B is on the minus strand). VCF-style: chr16-30993447-T-C. GRCh37 (hg19) VCF-style: chr16-31004768-T-C.
Other names: short protein forms N192S.
Identifiers: ClinVar variation 754018 (VCV000754018.13), dbSNP rs576127046, ClinGen allele CA280568686.

ClinVar aggregate classification (germline): Conflicting classifications of pathogenicity. Review status: criteria provided, conflicting classifications (1 of 4 stars). 3 submissions from 3 submitters: Uncertain significance (2); Benign (1). Last evaluated 2025-11-05.

Conditions:
Inborn genetic diseases. Identifiers: MedGen C0950123, MeSH D030342.
Generalized epilepsy with febrile seizures plus, type 9 (GEFSP9). Also called: GEFS+, TYPE 9. Identifiers: Orphanet 36387, MedGen C4015395, MONDO:0014517, OMIM 616172.

Allele frequency attached by ClinVar (database versions not stated): gnomAD exomes below 0.00001; TOPMed below 0.00001.
gnomAD v4.1: 10 of 1,614,028 alleles (0.00062%); highest among the groups gnomAD compares: African/African-American, 0.004%; no homozygotes.

Submissions (3):

Ambry Genetics
Classification: Uncertain significance for Inborn genetic diseases. Last evaluated: 2025-11-05. Review status: criteria provided, single submitter. Criteria: Ambry Variant Classification Scheme 2023. Collection method: clinical testing. Allele origin: germline.

Labcorp Genetics (formerly Invitae), Labcorp
Classification: Benign for Generalized epilepsy with febrile seizures plus, type 9. Last evaluated: 2025-08-03. Review status: criteria provided, single submitter. Criteria: Invitae Variant Classification Sherloc (09022015). Collection method: clinical testing. Allele origin: germline.

GeneDx
Classification: Uncertain significance. Last evaluated: 2021-04-07. Review status: criteria provided, single submitter. Criteria: GeneDx Variant Classification Process June 2021. Collection method: clinical testing. Allele origin: germline. Affected: yes.
Comment: Not observed in large population cohorts (Lek et al., 2016); In silico analysis supports that this missense variant does not alter protein structure/function; Has not been previously published as pathogenic or benign to our knowledge